The following is an entry in ClinVar:

ClinVar aggregate classification (germline): Uncertain significance (1 of 4 stars; one submission).

Conditions:
Myasthenic syndrome, congenital, 22 (CMS22). Also called: PREPL DEFICIENCY. Identifiers: MedGen C4479088, MONDO:0044299, OMIM 616224.

Allele frequency attached by ClinVar (database versions not stated): gnomAD exomes below 0.00001; gnomAD 0.00001; TOPMed 0.00001.
gnomAD v4.1: 7 of 1,612,220 alleles (0.00043%); highest among the groups gnomAD compares: Middle Eastern, 0.016%; no homozygotes.

Submission:

Labcorp Genetics (formerly Invitae), Labcorp
Classification: Uncertain significance for Myasthenic syndrome, congenital, 22. Last evaluated: 2025-10-27. Review status: criteria provided, single submitter. Criteria: Invitae Variant Classification Sherloc (09022015). Collection method: clinical testing. Allele origin: germline.
Comment: This sequence change falls in intron 12 of the PREPL gene. It does not directly change the encoded amino acid sequence of the PREPL protein. It affects a nucleotide within the consensus splice site. This variant is not present in population databases (gnomAD no frequency). This variant has not been reported in the literature in individuals affected with PREPL-related conditions. ClinVar contains an entry for this variant (Variation ID: 1395425). Variants that disrupt the consensus splice site are a relatively common cause of aberrant splicing (PMID: 17576681, 9536098). Algorithms developed to predict the effect of sequence changes on RNA splicing suggest that this variant may disrupt the consensus splice site. In summary, the available evidence is currently insufficient to determine the role of this variant in disease. Therefore, it has been classified as a Variant of Uncertain Significance.

Literature cited by the submitters: PubMed 17576681; PubMed 9536098.

NM_001171613.2(PREPL):c.1753+5G>A

Gene: PREPL (prolyl endopeptidase like; minus strand). Cytogenetic location: 2p21.
Variant type: single nucleotide variant.
Coding change: c.1753+5G>A on transcript NM_001171613.2 (MANE Select); 5 bases into the intron after coding-DNA position 1753, G replaced by A.
Molecular consequence: intron variant.
Genome position (GRCh38, 1-based): chr2:44,322,726, C>T on the plus strand (G>A on the coding strand, the complement: PREPL is on the minus strand). VCF-style: chr2-44322726-C-T. GRCh37 (hg19) VCF-style: chr2-44549865-C-T.
Other names: c.1753+5G>A (NM_001171617.1, NM_001374277.1); c.2020+5G>A (NM_001171603.1, NM_001374275.1, NM_001374276.1 and 2 more transcripts); c.1834+5G>A (NM_001042385.2); c.1822+5G>A (NM_001042386.2).
Identifiers: ClinVar variation 1395425 (VCV001395425.6), dbSNP rs1380245814, ClinGen allele CA769106655.
Genomic context (GRCh38, chr2:44,322,726, plus strand): 5'-CTGAGCAGTGTGCTGTGGGTAGTAGTCTGTTTGGCCATGTTCCCTGCTTCTAGGGGGTCT[C>T]CTACCTTCACCTGTGTCCTTAGCATGCTCCGCGATGGCTTCCTTGAGTTTCTCAGTATAA-3'